The following is an entry in ClinVar:

ClinVar aggregate classification (germline): Uncertain significance. Review status: criteria provided, multiple submitters, no conflicts (2 of 4 stars). 3 submissions from 3 submitters: Uncertain significance (3). Last evaluated 2025-11-22.

Conditions:
Primary familial hypertrophic cardiomyopathy (HCM). Identifiers: Orphanet 99739, MedGen C0949658, MeSH D024741, MONDO:0024573. Inheritance: Various modes of inheritance.
Hypertrophic cardiomyopathy 25 (CMH25). Also called: CARDIOMYOPATHY, FAMILIAL HYPERTROPHIC, 25. Identifiers: MedGen C4225408, MONDO:0011843, OMIM 607487.
Cardiomyopathy (CMYO). Also called: Cardiomyopathies. Identifiers: Orphanet 167848, MedGen C0878544, MONDO:0004994, HP:0001638. Inheritance: Various modes of inheritance.

Submissions (3):

Labcorp Genetics (formerly Invitae), Labcorp
Classification: Uncertain significance for Hypertrophic cardiomyopathy 25; Primary familial hypertrophic cardiomyopathy. Last evaluated: 2025-11-22. Review status: criteria provided, single submitter. Criteria: Invitae Variant Classification Sherloc (09022015). Collection method: clinical testing. Allele origin: germline.
Comment: This sequence change replaces glutamine, which is neutral and polar, with leucine, which is neutral and non-polar, at codon 165 of the TCAP protein (p.Gln165Leu). This variant is not present in population databases (gnomAD no frequency). This variant has not been reported in the literature in individuals affected with TCAP-related conditions. ClinVar contains an entry for this variant (Variation ID: 915563). An algorithm developed to predict the effect of missense changes on protein structure and function (PolyPhen-2) suggests that this variant is likely to be disruptive. In summary, the available evidence is currently insufficient to determine the role of this variant in disease. Therefore, it has been classified as a Variant of Uncertain Significance.

Blueprint Genetics
Classification: Uncertain significance. Last evaluated: 2024-07-31. Review status: criteria provided, single submitter. Criteria: ACMG Guidelines, 2015. Collection method: clinical testing. Allele origin: germline.

CHEO Genetics Diagnostic Laboratory, Children's Hospital of Eastern Ontario
Classification: Uncertain significance for Cardiomyopathy. Last evaluated: 2018-01-06. Review status: criteria provided, single submitter. Criteria: ACMG Guidelines, 2015. Collection method: clinical testing. Allele origin: germline.

NM_003673.4(TCAP):c.494A>T (p.Gln165Leu)

Gene: TCAP (titin-cap; plus strand). Cytogenetic location: 17q12.
Variant type: single nucleotide variant.
Coding change: c.494A>T on transcript NM_003673.4 (MANE Select); coding-DNA position 494, A replaced by T.
Protein change: p.Gln165Leu; replaces glutamine 165 with leucine.
Molecular consequence: missense variant.
Genome position (GRCh38, 1-based): chr17:39,666,099, A>T. VCF-style: chr17-39666099-A-T. GRCh37 (hg19) VCF-style: chr17-37822352-A-T.
Other names: short protein forms Q165L.
Identifiers: ClinVar variation 915563 (VCV000915563.4), dbSNP rs2057253901, ClinGen allele CA399306105.
Genomic context (GRCh38, chr17:39,666,099, plus strand): 5'-CTGTCAGCAAGCCCGGTGCACTTCGTCGCTCCCTGTCCCGCTCCATGTCCCAGGAAGCAC[A>T]GAGAGGCTGAGAGGGACTGTGACTTGGGCTCCGCTGTGCCCGCCCTGGGCTGGGCCCTTC-3'
Protein context (NP_003664.1, residues 155-167): SLSRSMSQEA[Gln165Leu]RG